The following is an entry in ClinVar:

ClinVar aggregate classification (germline): Uncertain significance (1 of 4 stars; one submission).

Conditions:
Von Hippel-Lindau syndrome (VHLS). Also called: Von Hippel-Lindau; VHL syndrome; von Hippel–Lindau syndrome. Identifiers: Orphanet 892, MedGen C0019562, MONDO:0008667, OMIM 193300. Disease mechanism: loss of function.
Chuvash polycythemia. Also called: POLYCYTHEMIA, VHL-DEPENDENT. Identifiers: Orphanet 238557, MedGen C1837915, MONDO:0009892, OMIM 263400.

Submission:

Labcorp Genetics (formerly Invitae), Labcorp
Classification: Uncertain significance for Von Hippel-Lindau syndrome; Chuvash polycythemia. Last evaluated: 2018-10-13. Review status: criteria provided, single submitter. Criteria: Invitae Variant Classification Sherloc (09022015). Collection method: clinical testing. Allele origin: germline.
Comment: Experimental studies and prediction algorithms are not available for this variant, and the functional significance of the affected amino acid is currently unknown. This variant is not present in population databases (ExAC no frequency). This variant, c.322_324delCGC, results in the deletion of 1 amino acid of the VHL protein (p.Arg108del), but otherwise preserves the integrity of the reading frame. In summary, the available evidence is currently insufficient to determine the role of this variant in disease. Therefore, it has been classified as a Variant of Uncertain Significance.

NM_000551.4(VHL):c.319CGC[1] (p.Arg108del)

Gene: VHL (von Hippel-Lindau tumor suppressor; plus strand). Cytogenetic location: 3p25.3.
Variant type: Microsatellite.
Coding change: c.319CGC[1] on transcript NM_000551.4 (MANE Select); one copy of the 3-base unit CGC starting at c.319; the reference has two copies in a row; one copy, 3 bases deleted.
Protein change: p.Arg108del; deletes arginine 108.
Molecular consequence: inframe deletion.
Genome position (GRCh38, 1-based): chr3:10,142,169-10,142,171, CGC deleted; deleting any 3 consecutive bases within chr3:10,142,164-10,142,171 gives the same sequence; the position shown is the placement nearest the transcript's 3' end. VCF-style (leftmost placement, unchanged base first): chr3-10142163-GGCC-G. GRCh37 (hg19) VCF-style: chr3-10183847-GGCC-G.
Other names: c.322_324delCGC (NM_000551.3); c.319CGC[1], p.Arg108del (NM_001354723.2, NM_198156.3); short protein forms R108del.
Identifiers: ClinVar variation 660626 (VCV000660626.9), dbSNP rs869191373, ClinGen allele CA645524842.
Genomic context (GRCh38, chr3:10,142,163, plus strand): 5'-CCCGTATGGCTCAACTTCGACGGCGAGCCGCAGCCCTACCCAACGCTGCCGCCTGGCACG[GGCC>G]GCCGCATCCACAGCTACCGAGGTACGGGCCCGGCGCTTAGGCCCGACCCAGCAGGGACGA-3'